The following is an entry in ClinVar:

ClinVar aggregate classification (germline): Conflicting classifications of pathogenicity. Review status: criteria provided, conflicting classifications (1 of 4 stars). 4 submissions from 4 submitters: Uncertain significance (1); Likely benign (3). Last evaluated 2025-08-14.

Conditions:
Inborn genetic diseases. Identifiers: MedGen C0950123, MeSH D030342.
KMT2B-related disorder. Also called: KMT2B-related disorders; KMT2B-related condition. Identifiers: MedGen CN381338.

Allele frequency attached by ClinVar (database versions not stated): TOPMed 0.00035; gnomAD exomes 0.00039 and 0.00055; gnomAD 0.00040 and 0.00041; ExAC 0.00049; ESP Exome Variant Server 0.00053.
gnomAD v4.1: 834 of 1,591,676 alleles (0.052%); highest among the groups gnomAD compares: Non-Finnish European, 0.068%; no homozygotes.

Submissions (4):

Labcorp Genetics (formerly Invitae), Labcorp
Classification: Likely benign. Last evaluated: 2025-08-14. Review status: criteria provided, single submitter. Criteria: Invitae Variant Classification Sherloc (09022015). Collection method: clinical testing. Allele origin: germline.

PreventionGenetics, part of Exact Sciences
Classification: Likely benign for KMT2B-related condition. Last evaluated: 2025-06-17. Review status: criteria provided, single submitter. Criteria: ACMG Guidelines, 2015. Collection method: clinical testing. Allele origin: germline.
Comment: This variant is classified as likely benign based on ACMG/AMP sequence variant interpretation guidelines (Richards et al. 2015 PMID: 25741868, with internal and published modifications).

Ambry Genetics
Classification: Likely benign for Inborn genetic diseases. Last evaluated: 2021-12-16. Review status: criteria provided, single submitter. Criteria: Ambry Variant Classification Scheme 2023. Collection method: clinical testing. Allele origin: germline.

CeGaT Center for Human Genetics Tuebingen
Classification: Uncertain significance. Last evaluated: 2020-02-01. Review status: criteria provided, single submitter. Criteria: CeGaT Center For Human Genetics Tuebingen Variant Classification Criteria Version 2. Collection method: clinical testing. Allele origin: germline. Affected: yes. Observed: 1 variant allele.

NM_014727.3(KMT2B):c.3317G>A (p.Arg1106Gln)

Gene: KMT2B (lysine methyltransferase 2B; plus strand). Cytogenetic location: 19q13.12.
Variant type: single nucleotide variant.
Coding change: c.3317G>A on transcript NM_014727.3 (MANE Select); coding-DNA position 3317, G replaced by A.
Protein change: p.Arg1106Gln; replaces arginine 1106 with glutamine.
Molecular consequence: missense variant.
Genome position (GRCh38, 1-based): chr19:35,723,990, G>A. VCF-style: chr19-35723990-G-A. GRCh37 (hg19) VCF-style: chr19-36214891-G-A.
Other names: c.3317G>A (NM_014727.2, NM_014727.1); short protein forms R1106Q.
Identifiers: ClinVar variation 916167 (VCV000916167.46), dbSNP rs201094135, ClinGen allele CA9384701.
Genomic context (GRCh38, chr19:35,723,990, plus strand): 5'-ATGATATCTTCGAGGATTCGGATGACTCGGAGCCCGGGGGCCCCCCTGCTCCTCGGCGTC[G>A]GACCCCCCGAGAAAATGGTGCGAACTGCTTAATGCTTTCTCTGTTGATCATTTATTTGGT-3'
Protein context (NP_055542.1, residues 1096-1116): EPGGPPAPRR[Arg1106Gln]TPRENELPLP